The following is an entry in ClinVar:

ClinVar aggregate classification (germline): Uncertain significance (1 of 4 stars; one submission).

Conditions:
Neuronopathy, distal hereditary motor, type 7A. Also called: Neuronopathy, distal hereditary motor, autosomal dominant 7; SPINAL MUSCULAR ATROPHY, DISTAL, WITH VOCAL CORD PARALYSIS; Neuronopathy, distal hereditary motor, type viia; NEURONOPATHY, DISTAL HEREDITARY MOTOR, HARDING TYPE VIIA; NEUROPATHY, DISTAL HEREDITARY MOTOR, HARDING TYPE VIIA; HARPER-YOUNG MYOPATHY. Identifiers: Orphanet 139589, MedGen C1834703, MONDO:0008024, OMIM 158580.
Congenital myasthenic syndrome 20. Also called: Myasthenic syndrome, congenital, 20, presynaptic. Identifiers: MedGen C4310694, MONDO:0014939, OMIM 617143.

Allele frequency attached by ClinVar (database versions not stated): TOPMed below 0.00001.

Submission:

Labcorp Genetics (formerly Invitae), Labcorp
Classification: Uncertain significance for Neuronopathy, distal hereditary motor, type 7A; Congenital myasthenic syndrome 20. Last evaluated: 2022-10-04. Review status: criteria provided, single submitter. Criteria: Invitae Variant Classification Sherloc (09022015). Collection method: clinical testing. Allele origin: germline.
Comment: In summary, the available evidence is currently insufficient to determine the role of this variant in disease. Therefore, it has been classified as a Variant of Uncertain Significance. Algorithms developed to predict the effect of missense changes on protein structure and function (SIFT, PolyPhen-2, Align-GVGD) all suggest that this variant is likely to be tolerated. ClinVar contains an entry for this variant (Variation ID: 1489025). This variant has not been reported in the literature in individuals affected with SLC5A7-related conditions. This variant is not present in population databases (gnomAD no frequency). This sequence change replaces asparagine, which is neutral and polar, with serine, which is neutral and polar, at codon 534 of the SLC5A7 protein (p.Asn534Ser).

NM_021815.5(SLC5A7):c.1601A>G (p.Asn534Ser)

Gene: SLC5A7 (solute carrier family 5 member 7; plus strand). Cytogenetic location: 2q12.3.
Variant type: single nucleotide variant.
Coding change: c.1601A>G on transcript NM_021815.5 (MANE Select); coding-DNA position 1601, A replaced by G.
Protein change: p.Asn534Ser; replaces asparagine 534 with serine.
Molecular consequence: missense variant.
Genome position (GRCh38, 1-based): chr2:108,010,719, A>G. VCF-style: chr2-108010719-A-G. GRCh37 (hg19) VCF-style: chr2-108627175-A-G.
Other names: c.1601A>G, p.Asn534Ser (NM_001305005.3); c.1286A>G, p.Asn429Ser (NM_001305006.3); c.860A>G, p.Asn287Ser (NM_001305007.3); short protein forms N534S, N287S, N429S.
Identifiers: ClinVar variation 1489025 (VCV001489025.6), dbSNP rs1678293099, ClinGen allele CA348114940.